The following is an entry in ClinVar:

ClinVar aggregate classification (germline): Uncertain significance. Review status: criteria provided, multiple submitters, no conflicts (2 of 4 stars). 3 submissions from 3 submitters: Uncertain significance (3). Last evaluated 2025-03-07.

Conditions:
Hereditary cancer-predisposing syndrome. Also called: Neoplastic Syndromes, Hereditary; Hereditary Cancer Syndrome; Hereditary neoplastic syndrome; Tumor predisposition. Identifiers: Orphanet 140162, MedGen C0027672, MeSH D009386, MONDO:0015356.
Mitochondrial complex II deficiency, nuclear type 1. Also called: SUCCINATE CoQ REDUCTASE DEFICIENCY. Identifiers: Orphanet 3208, MedGen C5700310, MONDO:0100294, OMIM 252011.
Pheochromocytoma/paraganglioma syndrome 5. Also called: Paragangliomas 5; SDHA-Related Hereditary Paraganglioma-Pheochromocytoma Syndrome. Identifiers: Orphanet 29072, MedGen C3279992, MONDO:0013602, OMIM 614165.

Allele frequency attached by ClinVar (database versions not stated): gnomAD exomes below 0.00001.
gnomAD v4.1: 2 of 1,614,008 alleles (0.00012%); highest among the groups gnomAD compares: Non-Finnish European, 0.00017%; no homozygotes.

Submissions (3):

Labcorp Genetics (formerly Invitae), Labcorp
Classification: Uncertain significance for Pheochromocytoma/paraganglioma syndrome 5; Mitochondrial complex II deficiency, nuclear type 1. Last evaluated: 2025-03-07. Review status: criteria provided, single submitter. Criteria: Invitae Variant Classification Sherloc (09022015). Collection method: clinical testing. Allele origin: germline.
Comment: This sequence change replaces isoleucine, which is neutral and non-polar, with asparagine, which is neutral and polar, at codon 280 of the SDHA protein (p.Ile280Asn). This variant is not present in population databases (gnomAD no frequency). This variant has not been reported in the literature in individuals affected with SDHA-related conditions. ClinVar contains an entry for this variant (Variation ID: 1435860). Invitae Evidence Modeling of protein sequence and biophysical properties (such as structural, functional, and spatial information, amino acid conservation, physicochemical variation, residue mobility, and thermodynamic stability) indicates that this missense variant is not expected to disrupt SDHA protein function with a negative predictive value of 95%. In summary, the available evidence is currently insufficient to determine the role of this variant in disease. Therefore, it has been classified as a Variant of Uncertain Significance.

GeneDx
Classification: Uncertain significance. Last evaluated: 2024-07-08. Review status: criteria provided, single submitter. Criteria: GeneDx Variant Classification Process June 2021. Collection method: clinical testing. Allele origin: germline. Affected: yes.
Comment: Not observed at significant frequency in large population cohorts (gnomAD); In silico analysis supports that this missense variant has a deleterious effect on protein structure/function; Has not been previously published as pathogenic or benign to our knowledge

Ambry Genetics
Classification: Uncertain significance for Hereditary cancer-predisposing syndrome. Last evaluated: 2022-04-19. Review status: criteria provided, single submitter. Criteria: Ambry Variant Classification Scheme 2023. Collection method: clinical testing. Allele origin: germline.
Comment: The p.I280N variant (also known as c.839T>A), located in coding exon 7 of the SDHA gene, results from a T to A substitution at nucleotide position 839. The isoleucine at codon 280 is replaced by asparagine, an amino acid with dissimilar properties. This amino acid position is conserved. In addition, the in silico prediction for this alteration is inconclusive. Since supporting evidence is limited at this time, the clinical significance of this alteration remains unclear.

NM_004168.4(SDHA):c.839T>A (p.Ile280Asn)

Gene: SDHA (succinate dehydrogenase complex flavoprotein subunit A; plus strand). Cytogenetic location: 5p15.33.
Variant type: single nucleotide variant.
Coding change: c.839T>A on transcript NM_004168.4 (MANE Select); coding-DNA position 839, T replaced by A.
Protein change: p.Ile280Asn; replaces isoleucine 280 with asparagine.
Molecular consequence: missense variant.
Genome position (GRCh38, 1-based): chr5:230,944, T>A. VCF-style: chr5-230944-T-A. GRCh37 (hg19) VCF-style: chr5-231059-T-A.
Other names: c.695T>A, p.Ile232Asn (NM_001294332.2); c.839T>A, p.Ile280Asn (NM_001330758.2); short protein forms I232N, I280N.
Identifiers: ClinVar variation 1435860 (VCV001435860.10), dbSNP rs2126568391, ClinGen allele CA359011781.
Genomic context (GRCh38, chr5:230,944, plus strand): 5'-GGCGCACCTACTTCAGCTGCACGTCTGCCCACACCAGCACTGGCGACGGCACGGCCATGA[T>A]CACCAGGGCAGGCCTTCCTTGCCAGGACCTAGAGTTTGTTCAGTTCCACCCTACAGGTAG-3'
Protein context (NP_004159.2, residues 270-290): HTSTGDGTAM[Ile280Asn]TRAGLPCQDL